The following is an entry in ClinVar:

ClinVar aggregate classification (germline): Uncertain significance (1 of 4 stars; one submission).

Submission:

Women's Health and Genetics/Laboratory Corporation of America, LabCorp
Classification: Uncertain significance. Last evaluated: 2025-01-03. Review status: criteria provided, single submitter. Criteria: LabCorp Variant Classification Summary - May 2015. Collection method: clinical testing. Allele origin: germline.
Comment: Variant summary: MYH3 c.2999T>G (p.Leu1000Arg) results in a non-conservative amino acid change in the encoded protein sequence. Five of five in-silico tools predict a damaging effect of the variant on protein function. The variant was absent in 251174 control chromosomes. The available data on variant occurrences in the general population are insufficient to allow any conclusion about variant significance. To our knowledge, no occurrence of c.2999T>G in individuals affected with MYH3-Related Disorders and no experimental evidence demonstrating its impact on protein function have been reported. No submitters have cited clinical-significance assessments for this variant to ClinVar. Based on the evidence outlined above, the variant was classified as uncertain significance.

NM_002470.4(MYH3):c.2999T>G (p.Leu1000Arg)

Gene: MYH3 (myosin heavy chain 3; minus strand). Cytogenetic location: 17p13.1.
Variant type: single nucleotide variant.
Coding change: c.2999T>G on transcript NM_002470.4 (MANE Select); coding-DNA position 2999, T replaced by G.
Protein change: p.Leu1000Arg; replaces leucine 1000 with arginine.
Molecular consequence: missense variant.
Genome position (GRCh38, 1-based): chr17:10,639,401, A>C on the plus strand (T>G on the coding strand, the complement: MYH3 is on the minus strand). VCF-style: chr17-10639401-A-C. GRCh37 (hg19) VCF-style: chr17-10542718-A-C.
Other names: short protein forms L1000R.
Identifiers: ClinVar variation 3769281 (VCV003769281.2).